The following is an entry in ClinVar:

ClinVar aggregate classification (germline): Uncertain significance (1 of 4 stars; one submission).

Conditions:
Charcot-Marie-Tooth disease type 4. Also called: Charcot-Marie-Tooth disease, type IV; Charcot-Marie-Tooth, Type 4. Identifiers: Orphanet 64749, MedGen C4082197, MONDO:0018995.

Allele frequency attached by ClinVar (database versions not stated): gnomAD exomes below 0.00001 and 0.00002; TOPMed 0.00003.
gnomAD v4.1: 29 of 1,603,324 alleles (0.0018%); highest among the groups gnomAD compares: East Asian, 0.0045%; no homozygotes.

Submission:

Labcorp Genetics (formerly Invitae), Labcorp
Classification: Uncertain significance for Charcot-Marie-Tooth disease type 4. Last evaluated: 2021-09-02. Review status: criteria provided, single submitter. Criteria: Invitae Variant Classification Sherloc (09022015). Collection method: clinical testing. Allele origin: germline.
Comment: This sequence change replaces arginine with tryptophan at codon 1375 of the PRX protein (p.Arg1375Trp). The arginine residue is moderately conserved and there is a moderate physicochemical difference between arginine and tryptophan. This variant is not present in population databases (ExAC no frequency). This variant has not been reported in the literature in individuals affected with PRX-related conditions. Algorithms developed to predict the effect of missense changes on protein structure and function are either unavailable or do not agree on the potential impact of this missense change (SIFT: "Deleterious"; PolyPhen-2: "Possibly Damaging"; Align-GVGD: "Class C15"). In summary, the available evidence is currently insufficient to determine the role of this variant in disease. Therefore, it has been classified as a Variant of Uncertain Significance.

NM_181882.3(PRX):c.4123C>T (p.Arg1375Trp)

Gene: PRX (periaxin; minus strand). Cytogenetic location: 19q13.2.
Variant type: single nucleotide variant.
Coding change: c.4123C>T on transcript NM_181882.3 (MANE Select); coding-DNA position 4123, C replaced by T.
Protein change: p.Arg1375Trp; replaces arginine 1375 with tryptophan.
Molecular consequence: missense variant. On other transcripts: 3 prime UTR variant (1).
Genome position (GRCh38, 1-based): chr19:40,394,229, G>A on the plus strand (C>T on the coding strand, the complement: PRX is on the minus strand). VCF-style: chr19-40394229-G-A. GRCh37 (hg19) VCF-style: chr19-40900136-G-A.
Other names: c.*4328C>T (NM_020956.2); short protein forms R1375W.
Identifiers: ClinVar variation 1446472 (VCV001446472.5), dbSNP rs1049231899, ClinGen allele CA308415862.